The following is an entry in ClinVar:

ClinVar aggregate classification (germline): Likely benign (1 of 4 stars; one submission).

Allele frequency attached by ClinVar (database versions not stated): 1000 Genomes Project 0.00020; 1000 Genomes Project 30x 0.00031; TOPMed 0.00053; gnomAD 0.00060; gnomAD exomes 0.00083.
gnomAD v4.1: 300 of 398,590 alleles (0.075%); highest among the groups gnomAD compares: Middle Eastern, 0.44%; no homozygotes.

Submission:

CeGaT Center for Human Genetics Tuebingen
Classification: Likely benign. Last evaluated: 2022-05-01. Review status: criteria provided, single submitter. Criteria: CeGaT Center For Human Genetics Tuebingen Variant Classification Criteria Version 2. Collection method: clinical testing. Allele origin: germline. Affected: yes. Observed: 1 variant allele.
Comment: MYO15B: BP4, BP7

NM_001395058.1(MYO15B):c.1491A>G (p.Leu497=)

Gene: MYO15B (myosin XVB; plus strand). Cytogenetic location: 17q25.1.
Variant type: single nucleotide variant.
Coding change: c.1491A>G on transcript NM_001395058.1 (MANE Select); coding-DNA position 1491, A replaced by G.
Protein change: p.Leu497=; no amino-acid change (leucine 497 retained).
Molecular consequence: synonymous variant.
Genome position (GRCh38, 1-based): chr17:75,589,548, A>G. VCF-style: chr17-75589548-A-G. GRCh37 (hg19) VCF-style: chr17-73585629-A-G.
Other names: c.1491A>G, p.Leu497= (NM_001309242.2).
Identifiers: ClinVar variation 2648266 (VCV002648266.24), dbSNP rs564582991, ClinGen allele CA294089585.